The following is an entry in ClinVar:

NM_000501.4(ELN):c.82+2T>A

Gene: ELN (elastin; plus strand). Cytogenetic location: 7q11.23.
Variant type: single nucleotide variant.
Coding change: c.82+2T>A on transcript NM_000501.4 (MANE Select); the canonical splice donor site of the intron after coding-DNA position 82, T replaced by A.
Molecular consequence: splice donor variant.
Genome position (GRCh38, 1-based): chr7:74,028,271, T>A. VCF-style: chr7-74028271-T-A. GRCh37 (hg19) VCF-style: chr7-73442601-T-A.
Other names: c.82+2T>A (NM_001081754.3, NM_001081753.3, NM_001278939.2 and 9 more transcripts).
Identifiers: ClinVar variation 3648792 (VCV003648792.2).

ClinVar aggregate classification (germline): Pathogenic (1 of 4 stars; one submission).

Conditions:
Supravalvar aortic stenosis (SVAS). Also called: Supravalvar aortic stenosis, Eisenberg type. Identifiers: Orphanet 3193, MedGen C0003499, MONDO:0008504, OMIM 185500, HP:0004381.

Submission:

Labcorp Genetics (formerly Invitae), Labcorp
Classification: Pathogenic for Supravalvar aortic stenosis. Last evaluated: 2024-04-04. Review status: criteria provided, single submitter. Criteria: Invitae Variant Classification Sherloc (09022015). Collection method: clinical testing. Allele origin: germline.
Comment: This sequence change affects a donor splice site in intron 1 of the ELN gene. It is expected to disrupt RNA splicing. Variants that disrupt the donor or acceptor splice site typically lead to a loss of protein function (PMID: 16199547), and loss-of-function variants in ELN are known to be pathogenic (PMID: 11175284). This variant is not present in population databases (gnomAD no frequency). Disruption of this splice site has been observed in individuals with supravalvular aortic stenosis (Invitae). Algorithms developed to predict the effect of sequence changes on RNA splicing suggest that this variant may disrupt the consensus splice site. For these reasons, this variant has been classified as Pathogenic.

Literature cited by the submitters: PubMed 16199547; PubMed 11175284.